The following is an entry in ClinVar:

NM_001365951.3(KIF1B):c.1922G>A (p.Arg641Gln)

Gene: KIF1B (kinesin family member 1B; plus strand). Cytogenetic location: 1p36.22.
Variant type: single nucleotide variant.
Coding change: c.1922G>A on transcript NM_001365951.3 (MANE Select); coding-DNA position 1922, G replaced by A.
Protein change: p.Arg641Gln; replaces arginine 641 with glutamine.
Molecular consequence: missense variant.
Genome position (GRCh38, 1-based): chr1:10,296,957, G>A. VCF-style: chr1-10296957-G-A. GRCh37 (hg19) VCF-style: chr1-10357015-G-A.
Other names: c.1922G>A, p.Arg641Gln (NM_001365952.1); c.1784G>A, p.Arg595Gln (NM_001365953.1, NM_015074.3, NM_183416.4); short protein forms R595Q, R641Q.
Identifiers: ClinVar variation 1490051 (VCV001490051.11), dbSNP rs1357742021, ClinGen allele CA338316775.

ClinVar aggregate classification (germline): Uncertain significance. Review status: criteria provided, multiple submitters, no conflicts (2 of 4 stars). 2 submissions from 2 submitters: Uncertain significance (2). Last evaluated 2024-06-12.

Conditions:
Charcot-Marie-Tooth disease type 2. Also called: Charcot-Marie-Tooth type 2. Identifiers: Orphanet 64746, MedGen C0270914, MONDO:0018993.

Allele frequency attached by ClinVar (database versions not stated): gnomAD exomes below 0.00001; TOPMed below 0.00001; gnomAD 0.00001.
gnomAD v4.1: 2 of 1,613,912 alleles (0.00012%); highest among the groups gnomAD compares: African/African-American, 0.0013%; no homozygotes.

Submissions (2):

Ambry Genetics
Classification: Uncertain significance. Last evaluated: 2024-06-12. Review status: criteria provided, single submitter. Criteria: Ambry Variant Classification Scheme 2023. Collection method: clinical testing. Allele origin: germline.
Comment: The p.R595Q variant (also known as c.1784G>A), located in coding exon 18 of the KIF1B gene, results from a G to A substitution at nucleotide position 1784. The arginine at codon 595 is replaced by glutamine, an amino acid with highly similar properties. This amino acid position is highly conserved in available vertebrate species. In addition, this alteration is predicted to be deleterious by in silico analysis. The evidence for this gene-disease relationship is limited; therefore, the clinical significance of this alteration is unclear.

Labcorp Genetics (formerly Invitae), Labcorp
Classification: Uncertain significance for Charcot-Marie-Tooth disease type 2. Last evaluated: 2021-03-28. Review status: criteria provided, single submitter. Criteria: Invitae Variant Classification Sherloc (09022015). Collection method: clinical testing. Allele origin: germline.
Comment: In summary, the available evidence is currently insufficient to determine the role of this variant in disease. Therefore, it has been classified as a Variant of Uncertain Significance. Algorithms developed to predict the effect of missense changes on protein structure and function are either unavailable or do not agree on the potential impact of this missense change (SIFT: "Tolerated"; PolyPhen-2: "Probably Damaging"; Align-GVGD: "Class C0"). This variant has not been reported in the literature in individuals with KIF1B-related conditions. This variant is not present in population databases (ExAC no frequency). This sequence change replaces arginine with glutamine at codon 595 of the KIF1B protein (p.Arg595Gln). The arginine residue is highly conserved and there is a small physicochemical difference between arginine and glutamine.